The following is an entry in ClinVar:

NM_022367.4(SEMA4A):c.508A>C (p.Met170Leu)

Gene: SEMA4A (semaphorin 4A; plus strand). Cytogenetic location: 1q22.
Variant type: single nucleotide variant.
Coding change: c.508A>C on transcript NM_022367.4 (MANE Select); coding-DNA position 508, A replaced by C.
Protein change: p.Met170Leu; replaces methionine 170 with leucine.
Molecular consequence: missense variant. On other transcripts: initiator codon variant (2).
Genome position (GRCh38, 1-based): chr1:156,158,764, A>C. VCF-style: chr1-156158764-A-C. GRCh37 (hg19) VCF-style: chr1-156128555-A-C.
Other names: c.508A>C, p.Met170Leu (NM_001193300.2, NM_001193301.2, NM_001370567.1); c.112A>C, p.Met38Leu (NM_001193302.2); c.211A>C, p.Met71Leu (NM_001370568.1); c.1A>C, p.Met1Leu (NM_001370569.1, NM_001370571.1); short protein forms M71L, M170L, M1L, M38L.
Identifiers: ClinVar variation 1374271 (VCV001374271.8), dbSNP rs759638923, ClinGen allele CA342836312.

ClinVar aggregate classification (germline): Uncertain significance (1 of 4 stars; one submission).

Submission:

Labcorp Genetics (formerly Invitae), Labcorp
Classification: Uncertain significance. Last evaluated: 2025-03-17. Review status: criteria provided, single submitter. Criteria: Invitae Variant Classification Sherloc (09022015). Collection method: clinical testing. Allele origin: germline.
Comment: This sequence change replaces methionine, which is neutral and non-polar, with leucine, which is neutral and non-polar, at codon 170 of the SEMA4A protein (p.Met170Leu). This variant is not present in population databases (gnomAD no frequency). This variant has not been reported in the literature in individuals affected with SEMA4A-related conditions. ClinVar contains an entry for this variant (Variation ID: 1374271). Invitae Evidence Modeling of protein sequence and biophysical properties (such as structural, functional, and spatial information, amino acid conservation, physicochemical variation, residue mobility, and thermodynamic stability) indicates that this missense variant is not expected to disrupt SEMA4A protein function with a negative predictive value of 80%. In summary, the available evidence is currently insufficient to determine the role of this variant in disease. Therefore, it has been classified as a Variant of Uncertain Significance.